The following is an entry in ClinVar:

ClinVar aggregate classification (germline): Uncertain significance (1 of 4 stars; one submission).

Conditions:
Spermatogenic failure 18. Identifiers: MedGen C4539783, MONDO:0054615, OMIM 617576.
Ciliary dyskinesia, primary, 37 (CILD37). Also called: CILIARY DYSKINESIA, PRIMARY, 37, WITH OR WITHOUT SITUS INVERSUS. Identifiers: MedGen C4539798, MONDO:0033204, OMIM 617577.

Allele frequency attached by ClinVar (database versions not stated): gnomAD exomes 0.00001; TOPMed 0.00001; gnomAD 0.00002; ExAC 0.00003; 1000 Genomes Project 30x 0.00031.
gnomAD v4.1: 14 of 1,609,446 alleles (0.00087%); highest among the groups gnomAD compares: East Asian, 0.013%; no homozygotes.

Submission:

Labcorp Genetics (formerly Invitae), Labcorp
Classification: Uncertain significance for Ciliary dyskinesia, primary, 37; Spermatogenic failure 18. Last evaluated: 2022-03-04. Review status: criteria provided, single submitter. Criteria: Invitae Variant Classification Sherloc (09022015). Collection method: clinical testing. Allele origin: germline.
Comment: In summary, the available evidence is currently insufficient to determine the role of this variant in disease. Therefore, it has been classified as a Variant of Uncertain Significance. Algorithms developed to predict the effect of missense changes on protein structure and function (SIFT, PolyPhen-2, Align-GVGD) all suggest that this variant is likely to be tolerated. This variant has not been reported in the literature in individuals affected with DNAH1-related conditions. This variant is present in population databases (rs771252539, gnomAD 0.02%). This sequence change replaces asparagine, which is neutral and polar, with histidine, which is basic and polar, at codon 5 of the DNAH1 protein (p.Asn5His).

NM_015512.5(DNAH1):c.13A>C (p.Asn5His)

Gene: DNAH1 (dynein axonemal heavy chain 1; plus strand). Cytogenetic location: 3p21.1.
Variant type: single nucleotide variant.
Coding change: c.13A>C on transcript NM_015512.5 (MANE Select); coding-DNA position 13, A replaced by C.
Protein change: p.Asn5His; replaces asparagine 5 with histidine.
Molecular consequence: missense variant.
Genome position (GRCh38, 1-based): chr3:52,322,455, A>C. VCF-style: chr3-52322455-A-C. GRCh37 (hg19) VCF-style: chr3-52356471-A-C.
Other names: short protein forms N5H.
Identifiers: ClinVar variation 2046167 (VCV002046167.4), dbSNP rs771252539, ClinGen allele CA2432547.